The following is an entry in ClinVar:

NM_001184880.2(PCDH19):c.1079A>C (p.Glu360Ala)

Gene: PCDH19 (protocadherin 19; minus strand). Cytogenetic location: Xq22.1.
Variant type: single nucleotide variant.
Coding change: c.1079A>C on transcript NM_001184880.2 (MANE Select); coding-DNA position 1079, A replaced by C.
Protein change: p.Glu360Ala; replaces glutamic acid 360 with alanine.
Molecular consequence: missense variant.
Genome position (GRCh38, 1-based): chrX:100,407,519, T>G on the plus strand (A>C on the coding strand, the complement: PCDH19 is on the minus strand). VCF-style: chrX-100407519-T-G. GRCh37 (hg19) VCF-style: chrX-99662517-T-G.
Other names: c.1079A>C, p.Glu360Ala (NM_001105243.2, NM_020766.3); short protein forms E360A.
Identifiers: ClinVar variation 450965 (VCV000450965.2), dbSNP rs1555985327, ClinGen allele CA414004377.

ClinVar aggregate classification (germline): Uncertain significance (1 of 4 stars; one submission).

Submission:

GeneDx
Classification: Uncertain significance. Last evaluated: 2017-07-27. Review status: criteria provided, single submitter. Criteria: GeneDx Variant Classification (06012015). Collection method: clinical testing. Allele origin: germline. Affected: yes.
Comment: A variant of uncertain significance has been identified in the PCDH19 gene. The E360A variant has not been published as a pathogenic variant, nor has it been reported as a benign variant to our knowledge. The E360A variant is not observed in large population cohorts (Lek et al., 2016; 1000 Genomes Consortium et al., 2015; Exome Variant Server). The E360A variant is a non-conservative amino acid substitution, which is likely to impact secondary protein structure as these residues differ in polarity, charge, size and/or other properties. This substitution occurs at a position that is conserved across species and in silico analysis predicts this variant is probably damaging to the protein structure/function. However, missense variants in nearby residues have not been reported in Human Gene Mutation Database in association with PCDH19-related disorders (Stenson et al., 2014). Therefore, based on the currently available information, it is unclear whether this variant is a pathogenic variant or a rare benign variant.